The following is an entry in ClinVar:

NM_004614.5(TK2):c.782G>A (p.Arg261Gln)

Gene: TK2 (thymidine kinase 2; minus strand). Cytogenetic location: 16q21.
Variant type: single nucleotide variant.
Coding change: c.782G>A on transcript NM_004614.5 (MANE Select); coding-DNA position 782, G replaced by A.
Protein change: p.Arg261Gln; replaces arginine 261 with glutamine.
Molecular consequence: missense variant. On other transcripts: 3 prime UTR variant (1), non-coding transcript variant (1).
Genome position (GRCh38, 1-based): chr16:66,511,984, C>T on the plus strand (G>A on the coding strand, the complement: TK2 is on the minus strand). VCF-style: chr16-66511984-C-T. GRCh37 (hg19) VCF-style: chr16-66545887-C-T.
Other names: c.689G>A, p.Arg230Gln (NM_001172643.1); c.707G>A, p.Arg236Gln (NM_001172644.2); c.728G>A, p.Arg243Gln (NM_001172645.2); c.635G>A, p.Arg212Gln (NM_001271934.2); c.*79G>A (NM_001271935.1); c.491G>A, p.Arg164Gln (NM_001272050.2); c.782G>A (NM_004614.4); short protein forms R212Q, R230Q, R243Q, R236Q, R261Q, R164Q.
Identifiers: ClinVar variation 1400277 (VCV001400277.6), dbSNP rs780483040, ClinGen allele CA8093553.

ClinVar aggregate classification (germline): Uncertain significance. Review status: criteria provided, multiple submitters, no conflicts (2 of 4 stars). 2 submissions from 2 submitters: Uncertain significance (2). Last evaluated 2023-05-31.

Conditions:
Inborn genetic diseases. Identifiers: MedGen C0950123, MeSH D030342.

Allele frequency attached by ClinVar (database versions not stated): TOPMed 0.00003; ExAC 0.00005.
gnomAD v4.1: 41 of 1,614,182 alleles (0.0025%); highest among the groups gnomAD compares: Admixed American, 0.017%; no homozygotes.

Submissions (2):

Ambry Genetics
Classification: Uncertain significance for Inborn genetic diseases. Last evaluated: 2023-05-31. Review status: criteria provided, single submitter. Criteria: Ambry Variant Classification Scheme 2023. Collection method: clinical testing. Allele origin: germline.

Labcorp Genetics (formerly Invitae), Labcorp
Classification: Uncertain significance. Last evaluated: 2022-08-09. Review status: criteria provided, single submitter. Criteria: Invitae Variant Classification Sherloc (09022015). Collection method: clinical testing. Allele origin: germline.
Comment: This sequence change replaces arginine, which is basic and polar, with glutamine, which is neutral and polar, at codon 261 of the TK2 protein (p.Arg261Gln). This variant is present in population databases (rs780483040, gnomAD 0.02%). This variant has not been reported in the literature in individuals affected with TK2-related conditions. ClinVar contains an entry for this variant (Variation ID: 1400277). Advanced modeling of protein sequence and biophysical properties (such as structural, functional, and spatial information, amino acid conservation, physicochemical variation, residue mobility, and thermodynamic stability) performed at Invitae indicates that this missense variant is not expected to disrupt TK2 protein function. In summary, the available evidence is currently insufficient to determine the role of this variant in disease. Therefore, it has been classified as a Variant of Uncertain Significance.